The following is an entry in ClinVar:

ClinVar aggregate classification (germline): Uncertain significance (1 of 4 stars; one submission).

Submission:

Ambry Genetics
Classification: Uncertain significance. Last evaluated: 2026-08-02. Review status: criteria provided, single submitter. Criteria: Ambry Variant Classification Scheme 2023. Collection method: clinical testing. Allele origin: germline.
Comment: The p.Q335K variant (also known as c.1003C>A), located in coding exon 8 of the RECQL gene, results from a C to A substitution at nucleotide position 1003. The glutamine at codon 335 is replaced by lysine, an amino acid with similar properties. This amino acid position is conserved. In addition, this alteration is predicted to be tolerated by in silico analysis. Based on the available evidence, the clinical significance of this variant remains unclear.

NM_002907.4(RECQL):c.1003C>A (p.Gln335Lys)

Gene: RECQL (RecQ like helicase; minus strand). Cytogenetic location: 12p12.1.
Variant type: single nucleotide variant.
Coding change: c.1003C>A on transcript NM_002907.4 (MANE Select); coding-DNA position 1003, C replaced by A.
Protein change: p.Gln335Lys; replaces glutamine 335 with lysine.
Molecular consequence: missense variant.
Genome position (GRCh38, 1-based): chr12:21,475,771, G>T on the plus strand (C>A on the coding strand, the complement: RECQL is on the minus strand). VCF-style: chr12-21475771-G-T. GRCh37 (hg19) VCF-style: chr12-21628705-G-T.
Other names: c.1003C>A, p.Gln335Lys (NM_032941.3); short protein forms Q335K.
Identifiers: ClinVar variation 5028050 (VCV005028050.1).